The following is an entry in ClinVar:

ClinVar aggregate classification (germline): Uncertain significance. Review status: criteria provided, multiple submitters, no conflicts (2 of 4 stars). 2 submissions from 2 submitters: Uncertain significance (2). Last evaluated 2025-08-14.

Conditions:
Inborn genetic diseases. Identifiers: MedGen C0950123, MeSH D030342.

gnomAD v4.1: 98 of 1,614,122 alleles (0.0061%); highest among the groups gnomAD compares: Non-Finnish European, 0.0081%; no homozygotes.

Submissions (2):

Ambry Genetics
Classification: Uncertain significance for Inborn genetic diseases. Last evaluated: 2025-08-14. Review status: criteria provided, single submitter. Criteria: Ambry Variant Classification Scheme 2023. Collection method: clinical testing. Allele origin: germline.

Labcorp Genetics (formerly Invitae), Labcorp
Classification: Uncertain significance. Last evaluated: 2024-07-23. Review status: criteria provided, single submitter. Criteria: Invitae Variant Classification Sherloc (09022015). Collection method: clinical testing. Allele origin: germline.
Comment: This sequence change replaces methionine, which is neutral and non-polar, with leucine, which is neutral and non-polar, at codon 302 of the ARCN1 protein (p.Met302Leu). This variant is present in population databases (rs782775362, gnomAD 0.007%). This variant has not been reported in the literature in individuals affected with ARCN1-related conditions. An algorithm developed to predict the effect of missense changes on protein structure and function (PolyPhen-2) suggests that this variant is likely to be tolerated. In summary, the available evidence is currently insufficient to determine the role of this variant in disease. Therefore, it has been classified as a Variant of Uncertain Significance.

NM_001655.5(ARCN1):c.904A>T (p.Met302Leu)

Gene: ARCN1 (archain 1 coat protein complex I subunit delta; plus strand). Cytogenetic location: 11q23.3.
Variant type: single nucleotide variant.
Coding change: c.904A>T on transcript NM_001655.5 (MANE Select); coding-DNA position 904, A replaced by T.
Protein change: p.Met302Leu; replaces methionine 302 with leucine.
Molecular consequence: missense variant.
Genome position (GRCh38, 1-based): chr11:118,590,426, A>T. VCF-style: chr11-118590426-A-T. GRCh37 (hg19) VCF-style: chr11-118461141-A-T.
Other names: c.847A>T, p.Met283Leu (NM_001425075.1); c.835A>T, p.Met279Leu (NM_001425076.1); c.640A>T, p.Met214Leu (NM_001425081.1, NM_001142281.2); c.739A>T, p.Met247Leu (NM_001425077.1); c.904A>T, p.Met302Leu (NM_001425078.1, NM_001425073.1); c.901A>T, p.Met301Leu (NM_001425079.1, NM_001425074.1); c.460A>T, p.Met154Leu (NM_001425080.1); c.904A>T (NM_001655.4); short protein forms M154L, M302L, M247L, M279L, M214L, M283L, M301L.
Identifiers: ClinVar variation 3023713 (VCV003023713.4), dbSNP rs782775362, ClinGen allele CA6306167.